The following is an entry in ClinVar:

NM_024006.6(VKORC1):c.103C>G (p.Arg35Gly)

Gene: VKORC1 (vitamin K epoxide reductase complex subunit 1; minus strand). Cytogenetic location: 16p11.2.
Variant type: single nucleotide variant.
Coding change: c.103C>G on transcript NM_024006.6 (MANE Select); coding-DNA position 103, C replaced by G.
Protein change: p.Arg35Gly; replaces arginine 35 with glycine.
Molecular consequence: missense variant.
Genome position (GRCh38, 1-based): chr16:31,094,627, G>C on the plus strand (C>G on the coding strand, the complement: VKORC1 is on the minus strand). VCF-style: chr16-31094627-G-C. GRCh37 (hg19) VCF-style: chr16-31105948-G-C.
Other names: c.103C>G, p.Arg35Gly (NM_001311311.2, NM_206824.3); short protein forms R35G.
Identifiers: ClinVar variation 4883285 (VCV004883285.2).
Genomic context (GRCh38, chr16:31,094,627, plus strand): 5'-AGACGCGCGAACAGCTGATGGCGGTGCCCACGTCGCAGAGCGCGCGGTAATCCCGGTCCC[G>C]GGCGCGCGCCGCCTTCACGTGCAGCGCGTAGAGCGAGAGCACTAAGCCCGTCAGGCAAAG-3'
Protein context (NP_076869.1, residues 25-45): YALHVKAARA[Arg35Gly]DRDYRALCDV

ClinVar aggregate classification (germline): Uncertain significance (1 of 4 stars; one submission).

gnomAD v4.1: 1 of 1,606,290 alleles (0.000062%); highest among the groups gnomAD compares: South Asian, 0.0011%; no homozygotes.

Submission:

Dasa
Classification: Uncertain significance. Last evaluated: 2025-11-04. Review status: criteria provided, single submitter. Criteria: DASA Assertion Criteria. Collection method: clinical testing. Allele origin: germline.
Comment: NM_024006.6(VKORC1):c.103C>G (p.Arg35Gly) is a missense variant that results in the substitution of arginine with glycine. This variant is rare in population databases. Computational prediction algorithms are consistent with a deleterious effect. The currently available literature and clinical evidence are not sufficient to establish a definitive association between this variant and the reported condition. Therefore, this variant is classified as a variant of uncertain significance.